The following is an entry in ClinVar:

ClinVar aggregate classification (germline): Conflicting classifications of pathogenicity. Review status: criteria provided, conflicting classifications (1 of 4 stars). 4 submissions from 4 submitters: Uncertain significance (3); Likely benign (1). Last evaluated 2025-10-19.

Conditions:
BAAT-related disorder. Also called: BAAT-related condition.

Allele frequency attached by ClinVar (database versions not stated): TOPMed 0.00003; gnomAD 0.00005 and 0.00009; ExAC 0.00009; gnomAD exomes 0.00009 and 0.00014; 1000 Genomes Project 30x 0.00016; 1000 Genomes Project 0.00020.
gnomAD v4.1: 150 of 1,614,160 alleles (0.0093%); highest among the groups gnomAD compares: South Asian, 0.087%; 1 homozygote.

Submissions (4):

Labcorp Genetics (formerly Invitae), Labcorp
Classification: Likely benign. Last evaluated: 2025-10-19. Review status: criteria provided, single submitter. Criteria: Invitae Variant Classification Sherloc (09022015). Collection method: clinical testing. Allele origin: germline.

PreventionGenetics, part of Exact Sciences
Classification: Uncertain significance for BAAT-related condition. Last evaluated: 2025-05-15. Review status: criteria provided, single submitter. Criteria: ACMG Guidelines, 2015. Collection method: clinical testing. Allele origin: germline.
Comment: The BAAT c.797T>C variant is predicted to result in the amino acid substitution p.Ile266Thr. To our knowledge, this variant has not been reported in the literature. This variant is reported in 0.091% of alleles in individuals of South Asian descent in gnomAD. At this time, the clinical significance of this variant is uncertain due to the absence of conclusive functional and genetic evidence.

Ambry Genetics
Classification: Uncertain significance. Last evaluated: 2024-05-07. Review status: criteria provided, single submitter. Criteria: Ambry Variant Classification Scheme 2023. Collection method: clinical testing. Allele origin: germline.

Eurofins Ntd Llc (ga)
Classification: Uncertain significance. Last evaluated: 2018-05-31. Review status: criteria provided, single submitter. Criteria: EGL ClinVar v180209 classification definitions. Collection method: clinical testing. Allele origin: germline. Observed: 1 variant allele, 1 heterozygote.

NM_001701.4(BAAT):c.797T>C (p.Ile266Thr)

Gene: BAAT (bile acid-CoA:amino acid N-acyltransferase; minus strand). Cytogenetic location: 9q31.1.
Variant type: single nucleotide variant.
Coding change: c.797T>C on transcript NM_001701.4 (MANE Select); coding-DNA position 797, T replaced by C.
Protein change: p.Ile266Thr; replaces isoleucine 266 with threonine.
Molecular consequence: missense variant.
Genome position (GRCh38, 1-based): chr9:101,362,888, A>G on the plus strand (T>C on the coding strand, the complement: BAAT is on the minus strand). VCF-style: chr9-101362888-A-G. GRCh37 (hg19) VCF-style: chr9-104125170-A-G.
Other names: c.797T>C, p.Ile266Thr (NM_001127610.2, NM_001374715.1); short protein forms I266T.
Identifiers: ClinVar variation 364277 (VCV000364277.14), dbSNP rs539433580, ClinGen allele CA5160631.